The following is an entry in ClinVar:

ClinVar aggregate classification (germline): Uncertain significance (1 of 4 stars; one submission).

Conditions:
Autoimmune lymphoproliferative syndrome type 2A (ALPS2A). Also called: CASP10-Related Autoimmune Lymphoproliferative Syndrome; AUTOIMMUNE LYMPHOPROLIFERATIVE SYNDROME, TYPE IIA; Autoimmune lymphoproliferative syndrome type 2. Identifiers: Orphanet 3261, MedGen C1858968, MONDO:0011383, OMIM 603909.

Submission:

Labcorp Genetics (formerly Invitae), Labcorp
Classification: Uncertain significance for Autoimmune lymphoproliferative syndrome type 2A. Last evaluated: 2025-02-02. Review status: criteria provided, single submitter. Criteria: Invitae Variant Classification Sherloc (09022015). Collection method: clinical testing. Allele origin: germline.
Comment: This sequence change replaces arginine, which is basic and polar, with proline, which is neutral and non-polar, at codon 280 of the CASP10 protein (p.Arg280Pro). This variant is not present in population databases (gnomAD no frequency). This variant has not been reported in the literature in individuals affected with CASP10-related conditions. Invitae Evidence Modeling of protein sequence and biophysical properties (such as structural, functional, and spatial information, amino acid conservation, physicochemical variation, residue mobility, and thermodynamic stability) indicates that this missense variant is not expected to disrupt CASP10 protein function with a negative predictive value of 80%. In summary, the available evidence is currently insufficient to determine the role of this variant in disease. Therefore, it has been classified as a Variant of Uncertain Significance.

NM_032977.4(CASP10):c.839G>C (p.Arg280Pro)

Gene: CASP10 (caspase 10; plus strand). Cytogenetic location: 2q33.1.
Variant type: single nucleotide variant.
Coding change: c.839G>C on transcript NM_032977.4 (MANE Select); coding-DNA position 839, G replaced by C.
Protein change: p.Arg280Pro; replaces arginine 280 with proline.
Molecular consequence: missense variant. On other transcripts: synonymous variant (1), intron variant (1).
Genome position (GRCh38, 1-based): chr2:201,208,100, G>C. VCF-style: chr2-201208100-G-C. GRCh37 (hg19) VCF-style: chr2-202072823-G-C.
Other names: c.710G>C, p.Arg237Pro (NM_001206542.2, NM_001230.5); c.839G>C, p.Arg280Pro (NM_032974.5); c.747G>C, p.Ser249= (NM_032976.4); c.722-970G>C (NM_001206524.2); short protein forms R280P, R237P.
Identifiers: ClinVar variation 4792354 (VCV004792354.1).
Genomic context (GRCh38, chr2:201,208,100, plus strand): 5'-GGATTCCTACTAAGTGGCTCTATCTATTCTTCAAGAGGGCAGCTGTGTACAGGATGAATC[G>C]GAACCACAGAGGCCTCTGTGTCATTGTCAACAACCACAGCTTTACCTCCCTGAAGGACAG-3'
Protein context (NP_116759.2, residues 270-290): TKRAAVYRMN[Arg280Pro]NHRGLCVIVN